The following is an entry in ClinVar:

NM_000152.5(GAA):c.1688A>T (p.Gln563Leu)

Gene: GAA (alpha glucosidase; plus strand). Cytogenetic location: 17q25.3.
Variant type: single nucleotide variant.
Coding change: c.1688A>T on transcript NM_000152.5 (MANE Select); coding-DNA position 1688, A replaced by T.
Protein change: p.Gln563Leu; replaces glutamine 563 with leucine.
Molecular consequence: missense variant.
Genome position (GRCh38, 1-based): chr17:80,112,034, A>T. VCF-style: chr17-80112034-A-T. GRCh37 (hg19) VCF-style: chr17-78085833-A-T.
Other names: c.1688A>T, p.Gln563Leu (NM_001079803.3, NM_001079804.3, NM_001406741.1 and 1 more transcripts); short protein forms Q563L.
Identifiers: ClinVar variation 4876653 (VCV004876653.1).

ClinVar aggregate classification (germline): Uncertain significance (1 of 4 stars; one submission).

Conditions:
Glycogen storage disease, type II (IOPD). Also called: Pompe Disease; CARDIOMEGALIA GLYCOGENICA DIFFUSA; GLYCOGENOSIS, GENERALIZED, CARDIAC FORM; GSD II; POMPE DISEASE, INFANTILE-ONSET; GLYCOGEN STORAGE DISEASE II, INFANTILE-ONSET. Identifiers: Orphanet 365, MedGen C0017921, MONDO:0009290, OMIM 232300.

Submission:

Genomenon, Inc
Classification: Uncertain significance for Glycogen storage disease, type II. Last evaluated: 2026-07-01. Review status: criteria provided, single submitter. Criteria: Genomenon Sequence Variant Interpretation Standards - Updated. Collection method: curation. Allele origin: germline. Affected: yes.
Comment: GAA p.Gln563Leu (c.1688A>T) is a missense variant that changes the amino acid at codon 563 from Glutamine to Leucine. This variant has been observed in at least one proband with a GAA-related disorder in the compound heterozygous and/or homozygous state (PMID:28490439). It is absent or not present at a significant frequency in gnomAD. In silico models predict that this variant is possibly or probably damaging. In conclusion, we classify GAA p.Gln563Leu (c.1688A>T) as a variant of uncertain significance.

Literature cited by the submitters: PubMed 28490439.